The following is an entry in ClinVar:

NM_004183.4(BEST1):c.508C>T (p.Gln170Ter)

Gene: BEST1 (bestrophin 1; plus strand). Cytogenetic location: 11q12.3.
Variant type: single nucleotide variant.
Coding change: c.508C>T on transcript NM_004183.4 (MANE Select); coding-DNA position 508, C replaced by T.
Protein change: p.Gln170Ter; replaces glutamine 170 with a stop codon.
Molecular consequence: nonsense. On other transcripts: non-coding transcript variant (1).
Genome position (GRCh38, 1-based): chr11:61,956,870, C>T. VCF-style: chr11-61956870-C-T. GRCh37 (hg19) VCF-style: chr11-61724342-C-T.
Other names: c.328C>T, p.Gln110Ter (NM_001139443.3, NM_001300786.2, NM_001300787.2); c.190C>T, p.Gln64Ter (NM_001363591.3); c.508C>T, p.Gln170Ter (NM_001363592.2); c.-668C>T (NM_001363593.3); short protein forms Q110*, Q170*, Q64*.
Identifiers: ClinVar variation 2039113 (VCV002039113.6), dbSNP rs186544610, ClinGen allele CA6040768.
Genomic context (GRCh38, chr11:61,956,870, plus strand): 5'-TCCCACCCACCGCCTTCTTCACTCCACTCTGCAGGCTTTATGACTCCGGCAGAACACAAG[C>T]AGTTGGAGAAACTGAGCCTACCACACAACATGTTCTGGGTGCCCTGGGTGTGGTTTGCCA-3'

ClinVar aggregate classification (germline): Pathogenic/Likely pathogenic. Review status: criteria provided, multiple submitters, no conflicts (2 of 4 stars). 3 submissions from 3 submitters: Pathogenic (2); Likely pathogenic (1). Last evaluated 2025-10-15.

Conditions:
Autosomal recessive bestrophinopathy. Also called: Autosomal Recessive Bestrophinopathy (ARB). Identifiers: Orphanet 139455, MedGen C3888198, MONDO:0012733, OMIM 611809.
Autosomal dominant vitreoretinochoroidopathy. Also called: VITREORETINOCHOROIDOPATHY WITH MICROCORNEA, GLAUCOMA, AND CATARACT; VITREORETINOCHOROIDOPATHY, AUTOSOMAL DOMINANT, WITH NANOPHTHALMOS; Autosomal Dominant Vitreoretinochoroidopathy (ADVIRC). Identifiers: Orphanet 263347, Orphanet 3086, MedGen C3888099, MONDO:0008662, OMIM 193220.
Vitelliform macular dystrophy 2. Also called: VITELLIFORM MACULAR DYSTROPHY, EARLY-ONSET; VITELLIFORM MACULAR DYSTROPHY, JUVENILE-ONSET; Best Vitelliform Macular Dystrophy (BVMD); Best vitelliform macular dystrophy, multifocal; Best Macular Dystrophy; MACULAR DEGENERATION, POLYMORPHIC VITELLINE. Identifiers: Orphanet 1243, MedGen C2745945, MONDO:0007931, OMIM 153700.
Retinitis pigmentosa 50 (RP50). Also called: Retinitis pigmentosa, concentric. Identifiers: Orphanet 791, MedGen C2750789, MONDO:0013175, OMIM 613194.
BEST1-related disorder. Also called: BEST1-related disorders; BEST1-related condition. Identifiers: MedGen CN239200.

Allele frequency attached by ClinVar (database versions not stated): ExAC 0.00001; gnomAD 0.00001; 1000 Genomes Project 30x 0.00016; 1000 Genomes Project 0.00020.
gnomAD v4.1: 2 of 1,614,134 alleles (0.00012%); highest among the groups gnomAD compares: Admixed American, 0.0017%; no homozygotes.

Submissions (3):

Labcorp Genetics (formerly Invitae), Labcorp
Classification: Pathogenic. Last evaluated: 2025-10-15. Review status: criteria provided, single submitter. Criteria: Invitae Variant Classification Sherloc (09022015). Collection method: clinical testing. Allele origin: germline.
Comment: This sequence change creates a premature translational stop signal (p.Gln170*) in the BEST1 gene. It is expected to result in an absent or disrupted protein product. Loss-of-function variants in BEST1 are known to be pathogenic (PMID: 21825197). This variant is present in population databases (rs186544610, gnomAD 0.003%). This variant has not been reported in the literature in individuals affected with BEST1-related conditions. ClinVar contains an entry for this variant (Variation ID: 2039113). Algorithms developed to predict the effect of sequence changes on RNA splicing suggest that this variant may disrupt the consensus splice site. For these reasons, this variant has been classified as Pathogenic.

Blueprint Genetics
Classification: Pathogenic for BEST1-related disorders. Last evaluated: 2024-04-08. Review status: criteria provided, single submitter. Criteria: ACMG Guidelines, 2015. Collection method: clinical testing. Allele origin: germline. Affected: yes. Observed: 4 variant alleles.

Department of Pathology and Laboratory Medicine, Sinai Health System
Classification: Likely pathogenic for Vitelliform macular dystrophy 2; Autosomal dominant vitreoretinochoroidopathy; Retinitis pigmentosa 50; Autosomal recessive bestrophinopathy. Last evaluated: 2023-12-11. Review status: criteria provided, single submitter. Criteria: ACMG Guidelines, 2015. Collection method: research. Allele origin: germline.

Literature cited by the submitters: PubMed 21825197 (cited by Labcorp Genetics (formerly Invitae), Labcorp).